The following is an entry in ClinVar:

ClinVar aggregate classification (germline): Uncertain significance (1 of 4 stars; one submission).

Conditions:
Autoimmune interstitial lung disease-arthritis syndrome. Also called: Autoinflammation and autoimmunity, systemic, with immune dysregulation. Identifiers: Orphanet 444092, MedGen C5975714, MONDO:0014629.

Submission:

Labcorp Genetics (formerly Invitae), Labcorp
Classification: Uncertain significance for Autoimmune interstitial lung disease-arthritis syndrome. Last evaluated: 2024-08-04. Review status: criteria provided, single submitter. Criteria: Invitae Variant Classification Sherloc (09022015). Collection method: clinical testing. Allele origin: germline.
Comment: This sequence change replaces proline, which is neutral and non-polar, with arginine, which is basic and polar, at codon 889 of the COPA protein (p.Pro889Arg). This variant is not present in population databases (gnomAD no frequency). This variant has not been reported in the literature in individuals affected with COPA-related conditions. ClinVar contains an entry for this variant (Variation ID: 1520129). Advanced modeling of protein sequence and biophysical properties (such as structural, functional, and spatial information, amino acid conservation, physicochemical variation, residue mobility, and thermodynamic stability) performed at Invitae indicates that this missense variant is expected to disrupt COPA protein function with a positive predictive value of 80%. In summary, the available evidence is currently insufficient to determine the role of this variant in disease. Therefore, it has been classified as a Variant of Uncertain Significance.

NM_004371.4(COPA):c.2666C>G (p.Pro889Arg)

Gene: COPA (coat protein complex I subunit alpha; minus strand). Cytogenetic location: 1q23.2.
Variant type: single nucleotide variant.
Coding change: c.2666C>G on transcript NM_004371.4 (MANE Select); coding-DNA position 2666, C replaced by G.
Protein change: p.Pro889Arg; replaces proline 889 with arginine.
Molecular consequence: missense variant.
Genome position (GRCh38, 1-based): chr1:160,294,494, G>C on the plus strand (C>G on the coding strand, the complement: COPA is on the minus strand). VCF-style: chr1-160294494-G-C. GRCh37 (hg19) VCF-style: chr1-160264284-G-C.
Other names: c.2693C>G, p.Pro898Arg (NM_001098398.2); short protein forms P889R, P898R.
Identifiers: ClinVar variation 1520129 (VCV001520129.6), dbSNP rs2101824120, ClinGen allele CA343275321.